The following is an entry in ClinVar:

ClinVar aggregate classification (germline): Pathogenic/Likely pathogenic. Review status: criteria provided, multiple submitters, no conflicts (2 of 4 stars). 5 submissions from 5 submitters: Pathogenic (4); Likely pathogenic (1). Last evaluated 2025-10-21.

Conditions:
Cardiovascular phenotype. Identifiers: MedGen CN230736.
Walker-Warburg congenital muscular dystrophy. Also called: Muscular dystrophy-dystroglycanopathy, type A; Walker-Warburg syndrome. Identifiers: Orphanet 899, MedGen C0265221, MONDO:0000171.
Muscular dystrophy-dystroglycanopathy (congenital with brain and eye anomalies), type A5. Also called: MUSCULAR DYSTROPHY-DYSTROGLYCANOPATHY (CONGENITAL WITH BRAIN AND EYE ANOMALIES), TYPE A, 5; WALKER-WARBURG SYNDROME OR MUSCLE-EYE-BRAIN DISEASE, FKRP-RELATED. Identifiers: Orphanet 588, Orphanet 899, MedGen C3150413, MONDO:0013157, OMIM 613153.
Autosomal recessive limb-girdle muscular dystrophy type 2I. Also called: MUSCULAR DYSTROPHY-DYSTROGLYCANOPATHY (LIMB-GIRDLE), TYPE C, 5; MUSCULAR DYSTROPHY, LIMB-GIRDLE, TYPE 2I; MUSCULAR DYSTROPHY-DYSTROGLYCANOPATHY, LIMB-GIRDLE, FRKP-RELATED. Identifiers: Orphanet 34515, MedGen C1846672, MONDO:0011787, OMIM 607155.
Acute rhabdomyolysis. Identifiers: MedGen C3807306, HP:0008942.

Submissions (5):

NHS Central & South Genomic Laboratory Hub
Classification: Likely pathogenic for Acute Rhabdomyolysis. Last evaluated: 2025-10-21. Review status: criteria provided, single submitter. Criteria: ACMG Guidelines, 2015. Collection method: clinical testing. Allele origin: germline. Affected: yes.

Natera, Inc.
Classification: Pathogenic for Limb-girdle muscular dystrophy type 2I. Last evaluated: 2024-10-22. Review status: criteria provided, single submitter. Criteria: Natera Variant Classification Schema (03/2026). Collection method: clinical testing. Allele origin: germline.
Comment: The c.158_162dupTGCGG variant in FKRP is a frameshift variant predicted to shift the reading frame beginning at codon 55 and leads to a stop codon 15 codons downstream. This variant is expected to result in nonsense mediated decay, truncation, or a dysfunctional protein product. This variant is rare in the general population with a frequency below the threshold expected for the associated phenotype(s). This variant has been observed in one or more individuals affected with the associated recessive disease, as either homozygous or compound heterozygous with a second variant (PMID: 28688748). Given the available evidence, this variant is classified as Pathogenic.

Labcorp Genetics (formerly Invitae), Labcorp
Classification: Pathogenic for Walker-Warburg congenital muscular dystrophy. Last evaluated: 2024-02-14. Review status: criteria provided, single submitter. Criteria: Invitae Variant Classification Sherloc (09022015). Collection method: clinical testing. Allele origin: germline.
Comment: This sequence change creates a premature translational stop signal (p.Glu55Cysfs*15) in the FKRP gene. While this is not anticipated to result in nonsense mediated decay, it is expected to disrupt the last 441 amino acid(s) of the FKRP protein. This variant is not present in population databases (gnomAD no frequency). This premature translational stop signal has been observed in individual(s) with limb-girdle muscular dystrophy or dystroglycanopathy (PMID: 12666124). ClinVar contains an entry for this variant (Variation ID: 459232). This variant disrupts a region of the FKRP protein in which other variant(s) (p.Trp432*) have been determined to be pathogenic (Invitae). This suggests that this is a clinically significant region of the protein, and that variants that disrupt it are likely to be disease-causing. For these reasons, this variant has been classified as Pathogenic.

Baylor Genetics
Classification: Pathogenic for Muscular dystrophy-dystroglycanopathy (congenital with brain and eye anomalies), type A5. Last evaluated: 2023-11-04. Review status: criteria provided, single submitter. Criteria: ACMG Guidelines, 2015. Collection method: clinical testing. Allele origin: unknown.

Ambry Genetics
Classification: Pathogenic for Cardiovascular phenotype. Last evaluated: 2020-09-01. Review status: criteria provided, single submitter. Criteria: Ambry Variant Classification Scheme 2023. Collection method: clinical testing. Allele origin: germline.
Comment: The c.158_162dupTGCGG pathogenic mutation, located in coding exon 1 of the FKRP gene, results from a duplication of TGCGG at nucleotide position 158, causing a translational frameshift with a predicted alternate stop codon (p.E55Cfs*15). This alteration occurs at the 3' terminus of theFKRP gene, is not expected to trigger nonsense-mediated mRNA decay, and impacts the last 89% (442 amino acids) of the protein. However, premature stop codons are typically deleterious in nature and a significant portion of the protein is affected (Ambry internal data). This variant was detected as compound heterozygous with another variant in FKRP (p.W231C, c.693G>C) in an individual with congenital muscular dystrophy without mental retardation (Sframeli M et al. Neuromuscul. Disord., 2017 Sep;27:793-803). This variant was also detected as compound heterozygous with FKRP p.L276I (c.826C>A) in an individual with limb-girdle muscular dystrophy (LGMD) type 2I (Sveen ML et al. Ann. Neurol., 2006 May;59:808-15). In addition, this alteration was reported as compound heterozygous in two individuals with LGMD of unspecified type; however, the other FKRP variants were not described (Sframeli M et al. Neuromuscul. Disord., 2017 Sep;27:793-803). This variant was not reported in population-based cohorts in the Genome Aggregation Database (gnomAD). Based on the supporting evidence, this alteration is interpreted as a disease-causing mutation.

Literature cited by the submitters: PubMed 28688748 (cited by Natera, Inc. and Ambry Genetics); PubMed 12666124 (cited by Labcorp Genetics (formerly Invitae), Labcorp); PubMed 16634037 (cited by Ambry Genetics).

NM_024301.5(FKRP):c.158_162dup (p.Glu55fs)

Gene: FKRP (fukutin related protein; plus strand). Cytogenetic location: 19q13.32.
Variant type: Duplication.
Coding change: c.158_162dup on transcript NM_024301.5 (MANE Select); coding-DNA positions 158 to 162, 5 bases duplicated (TGCGG; older notation c.158_162dupTGCGG).
Protein change: p.Glu55fs; shifts the reading frame from glutamic acid 55.
Molecular consequence: frameshift variant.
Genome position (GRCh38, 1-based): chr19:46,755,608-46,755,612, TGCGG duplicated; duplicating any 5 consecutive bases within chr19:46,755,606-46,755,612 gives the same sequence; the c. name uses the placement nearest the transcript's 3' end. VCF-style (leftmost placement, unchanged base first): chr19-46755605-T-TGGTGC. GRCh37 (hg19) VCF-style: chr19-47258862-T-TGGTGC.
Other names: c.158_162dup, p.Glu55fs (NM_001039885.3); c.158_162dupTGCGG (NM_024301.4); short protein forms E55fs.
Identifiers: ClinVar variation 459232 (VCV000459232.18), dbSNP rs1290836394, ClinGen allele CA658658823.